The following is an entry in ClinVar:

NM_004525.3(LRP2):c.7604C>T (p.Ala2535Val)

Gene: LRP2 (LDL receptor related protein 2; minus strand). Cytogenetic location: 2q31.1.
Variant type: single nucleotide variant.
Coding change: c.7604C>T on transcript NM_004525.3 (MANE Select); coding-DNA position 7604, C replaced by T.
Protein change: p.Ala2535Val; replaces alanine 2535 with valine.
Molecular consequence: missense variant.
Genome position (GRCh38, 1-based): chr2:169,205,590, G>A on the plus strand (C>T on the coding strand, the complement: LRP2 is on the minus strand). VCF-style: chr2-169205590-G-A. GRCh37 (hg19) VCF-style: chr2-170062100-G-A.
Other names: short protein forms A2535V.
Identifiers: ClinVar variation 1937555 (VCV001937555.4), dbSNP rs146024575, ClinGen allele CA1954050.

ClinVar aggregate classification (germline): Uncertain significance. Review status: criteria provided, multiple submitters, no conflicts (2 of 4 stars). 2 submissions from 2 submitters: Uncertain significance (2). Last evaluated 2025-08-20.

Conditions:
Inborn genetic diseases. Identifiers: MedGen C0950123, MeSH D030342.

Allele frequency attached by ClinVar (database versions not stated): gnomAD exomes 0.00001; ExAC 0.00002; gnomAD 0.00005; ESP Exome Variant Server 0.00015.
gnomAD v4.1: 23 of 1,613,684 alleles (0.0014%); highest among the groups gnomAD compares: African/African-American, 0.013%; no homozygotes.

Submissions (2):

Ambry Genetics
Classification: Uncertain significance for Inborn genetic diseases. Last evaluated: 2025-08-20. Review status: criteria provided, single submitter. Criteria: Ambry Variant Classification Scheme 2023. Collection method: clinical testing. Allele origin: germline.

Labcorp Genetics (formerly Invitae), Labcorp
Classification: Uncertain significance. Last evaluated: 2022-08-01. Review status: criteria provided, single submitter. Criteria: Invitae Variant Classification Sherloc (09022015). Collection method: clinical testing. Allele origin: germline.
Comment: This sequence change replaces alanine, which is neutral and non-polar, with valine, which is neutral and non-polar, at codon 2535 of the LRP2 protein (p.Ala2535Val). This variant is present in population databases (rs146024575, gnomAD 0.02%). This variant has not been reported in the literature in individuals affected with LRP2-related conditions. Advanced modeling of protein sequence and biophysical properties (such as structural, functional, and spatial information, amino acid conservation, physicochemical variation, residue mobility, and thermodynamic stability) performed at Invitae indicates that this missense variant is expected to disrupt LRP2 protein function. In summary, the available evidence is currently insufficient to determine the role of this variant in disease. Therefore, it has been classified as a Variant of Uncertain Significance.